The following is an entry in ClinVar:

ClinVar aggregate classification (germline): Uncertain significance. Review status: criteria provided, multiple submitters, no conflicts (2 of 4 stars). 2 submissions from 2 submitters: Uncertain significance (2). Last evaluated 2025-07-31.

Conditions:
Inborn genetic diseases. Identifiers: MedGen C0950123, MeSH D030342.
Specific granule deficiency. Identifiers: Orphanet 169142, MedGen C0398593, MONDO:0009506.

Allele frequency attached by ClinVar (database versions not stated): gnomAD 0.00001.
gnomAD v4.1: 4 of 1,613,848 alleles (0.00025%); highest among the groups gnomAD compares: East Asian, 0.0067%; no homozygotes.

Submissions (2):

Ambry Genetics
Classification: Uncertain significance for Inborn genetic diseases. Last evaluated: 2025-07-31. Review status: criteria provided, single submitter. Criteria: Ambry Variant Classification Scheme 2023. Collection method: clinical testing. Allele origin: germline.

Labcorp Genetics (formerly Invitae), Labcorp
Classification: Uncertain significance for Specific granule deficiency. Last evaluated: 2022-08-01. Review status: criteria provided, single submitter. Criteria: Invitae Variant Classification Sherloc (09022015). Collection method: clinical testing. Allele origin: germline.
Comment: In summary, the available evidence is currently insufficient to determine the role of this variant in disease. Therefore, it has been classified as a Variant of Uncertain Significance. Algorithms developed to predict the effect of missense changes on protein structure and function are either unavailable or do not agree on the potential impact of this missense change (SIFT: "Tolerated"; PolyPhen-2: "Possibly Damaging"; Align-GVGD: "Class C0"). This variant has not been reported in the literature in individuals affected with CEBPE-related conditions. This variant is not present in population databases (gnomAD no frequency). This sequence change replaces proline, which is neutral and non-polar, with arginine, which is basic and polar, at codon 91 of the CEBPE protein (p.Pro91Arg).

NM_001805.4(CEBPE):c.272C>G (p.Pro91Arg)

Gene: CEBPE (CCAAT enhancer binding protein epsilon; minus strand). Cytogenetic location: 14q11.2.
Variant type: single nucleotide variant.
Coding change: c.272C>G on transcript NM_001805.4 (MANE Select); coding-DNA position 272, C replaced by G.
Protein change: p.Pro91Arg; replaces proline 91 with arginine.
Molecular consequence: missense variant.
Genome position (GRCh38, 1-based): chr14:23,118,820, G>C on the plus strand (C>G on the coding strand, the complement: CEBPE is on the minus strand). VCF-style: chr14-23118820-G-C. GRCh37 (hg19) VCF-style: chr14-23588029-G-C.
Other names: short protein forms P91R.
Identifiers: ClinVar variation 2072699 (VCV002072699.5), dbSNP rs1594808996, ClinGen allele CA388953391.